The following is an entry in ClinVar:

NM_007194.4(CHEK2):c.1299A>G (p.Gln433=)

Gene: CHEK2 (checkpoint kinase 2; minus strand). Cytogenetic location: 22q12.1.
Variant type: single nucleotide variant.
Coding change: c.1299A>G on transcript NM_007194.4 (MANE Select); coding-DNA position 1299, A replaced by G.
Protein change: p.Gln433=; no amino-acid change (glutamine 433 retained).
Molecular consequence: synonymous variant.
Genome position (GRCh38, 1-based): chr22:28,695,203, T>C on the plus strand (A>G on the coding strand, the complement: CHEK2 is on the minus strand). VCF-style: chr22-28695203-T-C. GRCh37 (hg19) VCF-style: chr22-29091191-T-C.
Other names: c.1428A>G, p.Gln476= (NM_001005735.3); c.636A>G, p.Gln212= (NM_001257387.3); c.1098A>G, p.Gln366= (NM_001349956.3); c.1212A>G, p.Gln404= (NM_145862.3).
Identifiers: ClinVar variation 389083 (VCV000389083.3), dbSNP rs1057523319, ClinGen allele CA16608597.
Genomic context (GRCh38, chr22:28,695,203, plus strand): 5'-TGCCCAGACTTCAGGAATGAAGTTGTATTTTCCACTGGTGATCTGATCCTTCAGTGACAC[T>C]TGAGTCCTATGCTCAGAGAAAGGTGGATACCCACTAAGGCTTAATATTGGTAGAGAGAGA-3'
Protein context (NP_009125.1, residues 423-443): GYPPFSEHRT[Gln433=]VSLKDQITSG

ClinVar aggregate classification (germline): Benign/Likely benign. Review status: criteria provided, multiple submitters, no conflicts (2 of 4 stars). 3 submissions from 3 submitters: Benign (1); Likely benign (2). Last evaluated 2024-10-07.

Conditions:
Familial cancer of breast. Also called: Hereditary breast cancer; hereditary breast carcinoma; BREAST CANCER, FAMILIAL. Identifiers: Orphanet 227535, MedGen C0346153, MONDO:0016419, OMIM 114480. Disease mechanism: loss of function.
Hereditary cancer-predisposing syndrome. Also called: Hereditary Cancer Syndrome; Hereditary neoplastic syndrome; Neoplastic Syndromes, Hereditary; Tumor predisposition. Identifiers: Orphanet 140162, MedGen C0027672, MeSH D009386, MONDO:0015356.

Submissions (3):

Myriad Genetics, Inc.
Classification: Benign for Familial cancer of breast. Last evaluated: 2024-10-07. Review status: criteria provided, single submitter. Criteria: Myriad Autosomal Dominant, Autosomal Recessive and X-Linked Classification Criteria (2023). Collection method: clinical testing. Allele origin: unknown.
Comment: This variant is considered benign. This variant is a silent/synonymous amino acid change and it is not expected to impact splicing.

Ambry Genetics
Classification: Likely benign for Hereditary cancer-predisposing syndrome. Last evaluated: 2024-06-21. Review status: criteria provided, single submitter. Criteria: Ambry Variant Classification Scheme 2023. Collection method: clinical testing. Allele origin: germline.

GeneDx
Classification: Likely benign. Last evaluated: 2016-09-01. Review status: criteria provided, single submitter. Criteria: GeneDx Variant Classification (06012015). Collection method: clinical testing. Allele origin: germline. Affected: yes.
Comment: This variant is considered likely benign or benign based on one or more of the following criteria: it is a conservative change, it occurs at a poorly conserved position in the protein, it is predicted to be benign by multiple in silico algorithms, and/or has population frequency not consistent with disease.